The following is an entry in ClinVar:

NM_001375567.1(FOCAD):c.4637G>A (p.Arg1546Gln)

Gene: FOCAD (focadhesin; plus strand). Cytogenetic location: 9p21.3.
Variant type: single nucleotide variant.
Coding change: c.4637G>A on transcript NM_001375567.1 (MANE Select); coding-DNA position 4637, G replaced by A.
Protein change: p.Arg1546Gln; replaces arginine 1546 with glutamine.
Molecular consequence: missense variant.
Genome position (GRCh38, 1-based): chr9:20,981,685, G>A. VCF-style: chr9-20981685-G-A. GRCh37 (hg19) VCF-style: chr9-20981684-G-A.
Other names: c.4532G>A, p.Arg1511Gln (NM_001375568.1, NM_001375570.1); c.4637G>A, p.Arg1546Gln (NM_017794.5); short protein forms R1511Q, R1546Q.
Identifiers: ClinVar variation 735966 (VCV000735966.8), dbSNP rs149557796, ClinGen allele CA5007988.

ClinVar aggregate classification (germline): Benign. Review status: criteria provided, single submitter (1 of 4 stars). 2 submissions from 2 submitters: Benign (1). 1 of the submissions does not count toward it. Last evaluated 2026-01-06.

Conditions:
FOCAD-related disorder. Also called: FOCAD-related condition.

Allele frequency attached by ClinVar (database versions not stated): ESP Exome Variant Server 0.00369; 1000 Genomes Project 30x 0.00406; gnomAD exomes 0.00034 and 0.00089; ExAC 0.00111; gnomAD 0.00316 and 0.00345; TOPMed 0.00351; 1000 Genomes Project 0.00359.
gnomAD v4.1: 1,002 of 1,602,432 alleles (0.063%); highest among the groups gnomAD compares: African/African-American, 1.2%; 8 homozygotes.

Submissions (2):

Labcorp Genetics (formerly Invitae), Labcorp
Classification: Benign. Last evaluated: 2026-01-06. Review status: criteria provided, single submitter. Criteria: Invitae Variant Classification Sherloc (09022015). Collection method: clinical testing. Allele origin: germline.

PreventionGenetics, part of Exact Sciences
Classification: Benign for FOCAD-related condition. Last evaluated: 2019-10-28. Review status: no assertion criteria provided. Collection method: clinical testing. Allele origin: germline. Not counted in ClinVar's aggregate classification.
Comment: This variant is classified as benign based on ACMG/AMP sequence variant interpretation guidelines (Richards et al. 2015 PMID: 25741868, with internal and published modifications).